The following is an entry in ClinVar:

ClinVar aggregate classification (germline): Uncertain significance. Review status: criteria provided, multiple submitters, no conflicts (2 of 4 stars). 3 submissions from 3 submitters: Uncertain significance (2). 1 of the submissions does not count toward it. Last evaluated 2025-01-30.

Conditions:
TOP2B-related disorder. Also called: TOP2B-related condition.

Allele frequency attached by ClinVar (database versions not stated): gnomAD exomes below 0.00001; gnomAD 0.00001; ExAC 0.00001.
gnomAD v4.1: 6 of 1,607,966 alleles (0.00037%); highest among the groups gnomAD compares: African/African-American, 0.0013%; no homozygotes.

Submissions (3):

Labcorp Genetics (formerly Invitae), Labcorp
Classification: Uncertain significance. Last evaluated: 2025-01-30. Review status: criteria provided, single submitter. Criteria: Invitae Variant Classification Sherloc (09022015). Collection method: clinical testing. Allele origin: germline.
Comment: This sequence change replaces leucine, which is neutral and non-polar, with valine, which is neutral and non-polar, at codon 1355 of the TOP2B protein (p.Leu1355Val). The frequency data for this variant in the population databases is considered unreliable, as metrics indicate poor data quality at this position in the gnomAD database. This variant has not been reported in the literature in individuals affected with TOP2B-related conditions. ClinVar contains an entry for this variant (Variation ID: 2294646). An algorithm developed to predict the effect of missense changes on protein structure and function (PolyPhen-2) suggests that this variant is likely to be tolerated. In summary, the available evidence is currently insufficient to determine the role of this variant in disease. Therefore, it has been classified as a Variant of Uncertain Significance.

Ambry Genetics
Classification: Uncertain significance. Last evaluated: 2022-06-09. Review status: criteria provided, single submitter. Criteria: Ambry Variant Classification Scheme 2023. Collection method: clinical testing. Allele origin: germline.

PreventionGenetics, part of Exact Sciences
Classification: Uncertain significance for TOP2B-related condition. Last evaluated: 2024-05-07. Review status: no assertion criteria provided. Collection method: clinical testing. Allele origin: germline. Not counted in ClinVar's aggregate classification.
Comment: The TOP2B c.4078C>G variant is predicted to result in the amino acid substitution p.Leu1360Val. To our knowledge, this variant has not been reported in the literature. This variant is reported in 0.00092% of alleles in individuals of European (Non-Finnish) descent in gnomAD. At this time, the clinical significance of this variant is uncertain due to the absence of conclusive functional and genetic evidence.

NM_001330700.2(TOP2B):c.4078C>G (p.Leu1360Val)

Gene: TOP2B (DNA topoisomerase II beta; minus strand). Cytogenetic location: 3p24.2.
Variant type: single nucleotide variant.
Coding change: c.4078C>G on transcript NM_001330700.2 (MANE Select); coding-DNA position 4078, C replaced by G.
Protein change: p.Leu1360Val; replaces leucine 1360 with valine.
Molecular consequence: missense variant.
Genome position (GRCh38, 1-based): chr3:25,609,198, G>C on the plus strand (C>G on the coding strand, the complement: TOP2B is on the minus strand). VCF-style: chr3-25609198-G-C. GRCh37 (hg19) VCF-style: chr3-25650689-G-C.
Other names: c.4063C>G, p.Leu1355Val (NM_001068.3); c.4078C>G (NM_001330700.1); short protein forms L1360V, L1355V.
Identifiers: ClinVar variation 2294646 (VCV002294646.6), dbSNP rs760755554, ClinGen allele CA2288169.